The following is an entry in ClinVar:

ClinVar aggregate classification (germline): Uncertain significance (1 of 4 stars; one submission).

Conditions:
Duchenne muscular dystrophy (DMD). Also called: Duchenne Muscular Dystrophy (DMD); MUSCULAR DYSTROPHY, PSEUDOHYPERTROPHIC PROGRESSIVE, DUCHENNE TYPE. Identifiers: Orphanet 98896, MedGen C0013264, MONDO:0010679, OMIM 310200.

Submission:

Labcorp Genetics (formerly Invitae), Labcorp
Classification: Uncertain significance for Duchenne muscular dystrophy. Last evaluated: 2021-06-12. Review status: criteria provided, single submitter. Criteria: Invitae Variant Classification Sherloc (09022015). Collection method: clinical testing. Allele origin: germline.
Comment: In summary, the available evidence is currently insufficient to determine the role of this variant in disease. Therefore, it has been classified as a Variant of Uncertain Significance. Algorithms developed to predict the effect of missense changes on protein structure and function are either unavailable or do not agree on the potential impact of this missense change (SIFT: "Tolerated"; PolyPhen-2: "Probably Damaging"; Align-GVGD: "Class C15"). This variant has not been reported in the literature in individuals with DMD-related conditions. This variant is not present in population databases (ExAC no frequency). This sequence change replaces isoleucine with asparagine at codon 1083 of the DMD protein (p.Ile1083Asn). The isoleucine residue is moderately conserved and there is a large physicochemical difference between isoleucine and asparagine.

NM_004006.3(DMD):c.3248T>A (p.Ile1083Asn)

Gene: DMD (dystrophin; minus strand). Cytogenetic location: Xp21.1.
Variant type: single nucleotide variant.
Coding change: c.3248T>A on transcript NM_004006.3 (MANE Select); coding-DNA position 3248, T replaced by A.
Protein change: p.Ile1083Asn; replaces isoleucine 1083 with asparagine.
Molecular consequence: missense variant.
Genome position (GRCh38, 1-based): chrX:32,464,614, A>T on the plus strand (T>A on the coding strand, the complement: DMD is on the minus strand). VCF-style: chrX-32464614-A-T. GRCh37 (hg19) VCF-style: chrX-32482731-A-T.
Other names: c.3224T>A, p.Ile1075Asn (NM_000109.4); c.3236T>A, p.Ile1079Asn (NM_004009.3); c.2879T>A, p.Ile960Asn (NM_004010.3); short protein forms I1075N, I1083N, I1079N, I960N.
Identifiers: ClinVar variation 1448248 (VCV001448248.9), dbSNP rs2148427517, ClinGen allele CA412664796.
Genomic context (GRCh38, chrX:32,464,614, plus strand): 5'-TTCATATTAAAGGCATCATATAAAAATCTTACTCTGCACTGTTTCAGCTGCTTTTTTAGA[A>T]TTTCTGAATCCCCAAGGGCAGGCCATTCCTCCTTCAGAAAAACATCAACTTCAGCCATCC-3'
Protein context (NP_003997.2, residues 1073-1093): EEWPALGDSE[Ile1083Asn]LKKQLKQCRL